The following is an entry in ClinVar:

NM_005751.5(AKAP9):c.217G>T (p.Val73Leu)

Gene: AKAP9 (A-kinase anchoring protein 9; plus strand). Cytogenetic location: 7q21.2.
Variant type: single nucleotide variant.
Coding change: c.217G>T on transcript NM_005751.5 (MANE Select); coding-DNA position 217, G replaced by T.
Protein change: p.Val73Leu; replaces valine 73 with leucine.
Molecular consequence: missense variant.
Genome position (GRCh38, 1-based): chr7:91,973,879, G>T. VCF-style: chr7-91973879-G-T. GRCh37 (hg19) VCF-style: chr7-91603193-G-T.
Other names: c.217G>T, p.Val73Leu (NM_147185.3); short protein forms V73L.
Identifiers: ClinVar variation 844374 (VCV000844374.13), dbSNP rs887210886, ClinGen allele CA161891177.

ClinVar aggregate classification (germline): Uncertain significance. Review status: criteria provided, multiple submitters, no conflicts (2 of 4 stars). 3 submissions from 3 submitters: Uncertain significance (3). Last evaluated 2026-06-16.

Conditions:
Long QT syndrome (LQTS). Identifiers: MedGen C0023976, MeSH D008133, MONDO:0002442. Disease mechanism: loss of function. Inheritance: Various modes of inheritance.
Cardiovascular phenotype. Identifiers: MedGen CN230736.

Allele frequency attached by ClinVar (database versions not stated): gnomAD exomes below 0.00001; gnomAD 0.00001; TOPMed 0.00001.
gnomAD v4.1: 8 of 1,613,880 alleles (0.0005%); highest among the groups gnomAD compares: Non-Finnish European, 0.00059%; no homozygotes.

Submissions (3):

Women's Health and Genetics/Laboratory Corporation of America, LabCorp
Classification: Uncertain significance. Last evaluated: 2026-06-16. Review status: criteria provided, single submitter. Criteria: LabCorp Variant Classification Summary - May 2015. Collection method: clinical testing. Allele origin: germline.

Labcorp Genetics (formerly Invitae), Labcorp
Classification: Uncertain significance for Long QT syndrome. Last evaluated: 2025-10-07. Review status: criteria provided, single submitter. Criteria: Invitae Variant Classification Sherloc (09022015). Collection method: clinical testing. Allele origin: germline.
Comment: This sequence change replaces valine, which is neutral and non-polar, with leucine, which is neutral and non-polar, at codon 73 of the AKAP9 protein (p.Val73Leu). This variant is present in population databases (no rsID available, gnomAD 0.002%). This variant has not been reported in the literature in individuals affected with AKAP9-related conditions. ClinVar contains an entry for this variant (Variation ID: 844374). An algorithm developed to predict the effect of missense changes on protein structure and function outputs the following: PolyPhen-2: "Benign". The leucine amino acid residue is found in multiple mammalian species, which suggests that this missense change does not adversely affect protein function. In summary, the available evidence is currently insufficient to determine the role of this variant in disease. Therefore, it has been classified as a Variant of Uncertain Significance.

Ambry Genetics
Classification: Uncertain significance for Cardiovascular phenotype. Last evaluated: 2025-06-09. Review status: criteria provided, single submitter. Criteria: Ambry Variant Classification Scheme 2023. Collection method: clinical testing. Allele origin: germline.
Comment: The p.V73L variant (also known as c.217G>T), located in coding exon 2 of the AKAP9 gene, results from a G to T substitution at nucleotide position 217. The valine at codon 73 is replaced by leucine, an amino acid with highly similar properties. This amino acid position is conserved. In addition, this alteration is predicted to be tolerated by in silico analysis. Since supporting evidence is limited at this time, the clinical significance of this alteration remains unclear.